The following is an entry in ClinVar:

NM_000135.4(FANCA):c.804T>G (p.Asp268Glu)

Gene: FANCA (FA complementation group A; minus strand). Cytogenetic location: 16q24.3.
Variant type: single nucleotide variant.
Coding change: c.804T>G on transcript NM_000135.4 (MANE Select); coding-DNA position 804, T replaced by G.
Protein change: p.Asp268Glu; replaces aspartic acid 268 with glutamic acid.
Molecular consequence: missense variant.
Genome position (GRCh38, 1-based): chr16:89,799,627, A>C on the plus strand (T>G on the coding strand, the complement: FANCA is on the minus strand). VCF-style: chr16-89799627-A-C. GRCh37 (hg19) VCF-style: chr16-89866035-A-C.
Other names: c.804T>G, p.Asp268Glu (NM_001018112.3, NM_001286167.3); c.708T>G, p.Asp236Glu (NM_001351830.2); short protein forms D236E, D268E.
Identifiers: ClinVar variation 3848035 (VCV003848035.1).
Genomic context (GRCh38, chr16:89,799,627, plus strand): 5'-AGTCATTTACAGTCTGGGCTGCAGTGCAATTAACTTACAAATCAGCATTCTCTGCAGTAC[A>C]TCAACCGTGACCTGTCAAAATAGAATGTGAGTTACCATCTTGGTAATCTTCTGTAATTTG-3'
Protein context (NP_000126.2, residues 258-278): EPEKMPQVTV[Asp268Glu]VLQRMLIFAL

ClinVar aggregate classification (germline): Uncertain significance (1 of 4 stars; one submission).

Conditions:
Inborn genetic diseases. Identifiers: MedGen C0950123, MeSH D030342.

Submission:

Ambry Genetics
Classification: Uncertain significance for Inborn genetic diseases. Last evaluated: 2024-12-19. Review status: criteria provided, single submitter. Criteria: Ambry Variant Classification Scheme 2023. Collection method: clinical testing. Allele origin: germline.
Comment: The p.D268E variant (also known as c.804T>G), located in coding exon 9 of the FANCA gene, results from a T to G substitution at nucleotide position 804. The aspartic acid at codon 268 is replaced by glutamic acid, an amino acid with highly similar properties. This amino acid position is conserved. In addition, this alteration is predicted to be tolerated by in silico analysis. Based on the available evidence, the clinical significance of this variant remains unclear.